The following is an entry in ClinVar:

ClinVar aggregate classification (germline): Uncertain significance (1 of 4 stars; one submission).

Allele frequency attached by ClinVar (database versions not stated): gnomAD exomes below 0.00001.
gnomAD v4.1: 1 of 1,208,326 alleles (0.000083%); highest among the groups gnomAD compares: Non-Finnish European, 0.00011%; no homozygotes.

Submission:

GeneDx
Classification: Uncertain significance. Last evaluated: 2022-07-01. Review status: criteria provided, single submitter. Criteria: GeneDx Variant Classification Process June 2021. Collection method: clinical testing. Allele origin: germline. Affected: yes.
Comment: Not observed at significant frequency in large population cohorts (gnomAD); In silico analysis supports that this missense variant has a deleterious effect on protein structure/function; Has not been previously published as pathogenic or benign to our knowledge

NM_004006.3(DMD):c.3411G>T (p.Gln1137His)

Gene: DMD (dystrophin; minus strand). Cytogenetic location: Xp21.1.
Variant type: single nucleotide variant.
Coding change: c.3411G>T on transcript NM_004006.3 (MANE Select); coding-DNA position 3411, G replaced by T.
Protein change: p.Gln1137His; replaces glutamine 1137 with histidine.
Molecular consequence: missense variant.
Genome position (GRCh38, 1-based): chrX:32,463,460, C>A on the plus strand (G>T on the coding strand, the complement: DMD is on the minus strand). VCF-style: chrX-32463460-C-A. GRCh37 (hg19) VCF-style: chrX-32481577-C-A.
Other names: c.3387G>T, p.Gln1129His (NM_000109.4); c.3399G>T, p.Gln1133His (NM_004009.3); c.3042G>T, p.Gln1014His (NM_004010.3); short protein forms Q1014H, Q1129H, Q1133H, Q1137H.
Identifiers: ClinVar variation 1810007 (VCV001810007.1), dbSNP rs1329266077, ClinGen allele CA412664336.